The following is an entry in ClinVar:

NM_001378454.1(ALMS1):c.6456T>G (p.Tyr2152Ter)

Gene: ALMS1 (ALMS1 centrosome and basal body associated protein; plus strand). Cytogenetic location: 2p13.1.
Variant type: single nucleotide variant.
Coding change: c.6456T>G on transcript NM_001378454.1 (MANE Select); coding-DNA position 6456, T replaced by G.
Protein change: p.Tyr2152Ter; replaces tyrosine 2152 with a stop codon.
Molecular consequence: nonsense.
Genome position (GRCh38, 1-based): chr2:73,452,983, T>G. VCF-style: chr2-73452983-T-G. GRCh37 (hg19) VCF-style: chr2-73680110-T-G.
Other names: c.6459T>G, p.Tyr2153Ter (NM_015120.4); short protein forms Y2152*, Y2153*.
Identifiers: ClinVar variation 4755045 (VCV004755045.1).

ClinVar aggregate classification (germline): Pathogenic (1 of 4 stars; one submission).

Conditions:
Alstrom syndrome (ALMS). Identifiers: Orphanet 64, MedGen C0268425, MONDO:0008763, OMIM 203800.

Submission:

Labcorp Genetics (formerly Invitae), Labcorp
Classification: Pathogenic for Alstrom syndrome. Last evaluated: 2025-10-10. Review status: criteria provided, single submitter. Criteria: Invitae Variant Classification Sherloc (09022015). Collection method: clinical testing. Allele origin: germline.
Comment: This sequence change creates a premature translational stop signal (p.Tyr2153*) in the ALMS1 gene. It is expected to result in an absent or disrupted protein product. Loss-of-function variants in ALMS1 are known to be pathogenic (PMID: 17594715). This variant is not present in population databases (gnomAD no frequency). This variant has not been reported in the literature in individuals affected with ALMS1-related conditions. For these reasons, this variant has been classified as Pathogenic.

Literature cited by the submitters: PubMed 17594715.